The following is an entry in ClinVar:

ClinVar aggregate classification (germline): Uncertain significance. Review status: criteria provided, multiple submitters, no conflicts (2 of 4 stars). 2 submissions from 2 submitters: Uncertain significance (2). Last evaluated 2023-02-22.

Conditions:
Inborn genetic diseases. Identifiers: MedGen C0950123, MeSH D030342.

Allele frequency attached by ClinVar (database versions not stated): gnomAD exomes below 0.00001 and 0.00002; ExAC 0.00002; TOPMed 0.00006; gnomAD 0.00007 and 0.00009; ESP Exome Variant Server 0.00017.

Submissions (2):

Ambry Genetics
Classification: Uncertain significance for Inborn genetic diseases. Last evaluated: 2023-02-22. Review status: criteria provided, single submitter. Criteria: Ambry Variant Classification Scheme 2023. Collection method: clinical testing. Allele origin: germline.

Labcorp Genetics (formerly Invitae), Labcorp
Classification: Uncertain significance. Last evaluated: 2022-06-13. Review status: criteria provided, single submitter. Criteria: Invitae Variant Classification Sherloc (09022015). Collection method: clinical testing. Allele origin: germline.
Comment: This sequence change replaces valine, which is neutral and non-polar, with isoleucine, which is neutral and non-polar, at codon 140 of the TUBGCP4 protein (p.Val140Ile). This variant is present in population databases (rs371285021, gnomAD 0.03%). This variant has not been reported in the literature in individuals affected with TUBGCP4-related conditions. ClinVar contains an entry for this variant (Variation ID: 859149). Algorithms developed to predict the effect of missense changes on protein structure and function (SIFT, PolyPhen-2, Align-GVGD) all suggest that this variant is likely to be tolerated. In summary, the available evidence is currently insufficient to determine the role of this variant in disease. Therefore, it has been classified as a Variant of Uncertain Significance.

NM_014444.5(TUBGCP4):c.418G>A (p.Val140Ile)

Gene: TUBGCP4 (tubulin gamma complex component 4; plus strand). Cytogenetic location: 15q15.3.
Variant type: single nucleotide variant.
Coding change: c.418G>A on transcript NM_014444.5 (MANE Select); coding-DNA position 418, G replaced by A.
Protein change: p.Val140Ile; replaces valine 140 with isoleucine.
Molecular consequence: missense variant.
Genome position (GRCh38, 1-based): chr15:43,377,880, G>A. VCF-style: chr15-43377880-G-A. GRCh37 (hg19) VCF-style: chr15-43670078-G-A.
Other names: c.418G>A, p.Val140Ile (NM_001286414.3); c.418G>A (NM_014444.2); short protein forms V140I.
Identifiers: ClinVar variation 859149 (VCV000859149.10), dbSNP rs371285021, ClinGen allele CA7523772.